The following is an entry in ClinVar:

ClinVar aggregate classification (germline): Uncertain significance (1 of 4 stars; one submission).

Submission:

Labcorp Genetics (formerly Invitae), Labcorp
Classification: Uncertain significance. Last evaluated: 2024-11-15. Review status: criteria provided, single submitter. Criteria: Invitae Variant Classification Sherloc (09022015). Collection method: clinical testing. Allele origin: germline.
Comment: This variant, c.2119_2121del, results in the deletion of 1 amino acid(s) of the C5 protein (p.Asn707del), but otherwise preserves the integrity of the reading frame. This variant is present in population databases (rs748088693, gnomAD 0.01%). This variant has not been reported in the literature in individuals affected with C5-related conditions. Experimental studies and prediction algorithms are not available or were not evaluated, and the functional significance of this variant is currently unknown. In summary, the available evidence is currently insufficient to determine the role of this variant in disease. Therefore, it has been classified as a Variant of Uncertain Significance.

NM_001735.3(C5):c.2116AAT[1] (p.Asn707del)

Gene: C5 (complement C5; minus strand). Cytogenetic location: 9q33.2.
Variant type: Microsatellite.
Coding change: c.2116AAT[1] on transcript NM_001735.3 (MANE Select); one copy of the 3-base unit AAT starting at c.2116; the reference has two copies in a row; one copy, 3 bases deleted.
Protein change: p.Asn707del; deletes asparagine 707.
Molecular consequence: inframe deletion.
Genome position (GRCh38, 1-based): chr9:121,014,009-121,014,011, ATT deleted on the plus strand (AAT on the coding strand, the reverse complement: C5 is on the minus strand); deleting any 3 consecutive bases within chr9:121,014,009-121,014,015 gives the same sequence; the position shown is the placement nearest the transcript's 3' end. VCF-style (leftmost placement, unchanged base first): chr9-121014008-CATT-C. GRCh37 (hg19) VCF-style: chr9-123776286-CATT-C.
Other names: c.2134AAT[1], p.Asn713del (NM_001317163.2); c.2116AAT[1], p.Asn707del (NM_001317164.2); short protein forms N707del, N713del.
Identifiers: ClinVar variation 1058077 (VCV001058077.9), dbSNP rs748088693, ClinGen allele CA5217858.